The following is an entry in ClinVar:

ClinVar aggregate classification (germline): Uncertain significance (1 of 4 stars; one submission).

Conditions:
Familial dysautonomia. Also called: FD; HSAN III. Identifiers: Orphanet 1764, MedGen C0013364, MONDO:0009131, OMIM 223900. Disease mechanism: loss of function.

Submission:

Myriad Genetics, Inc.
Classification: Uncertain significance for Familial dysautonomia. Last evaluated: 2026-03-02. Review status: criteria provided, single submitter. Criteria: Myriad Autosomal Dominant, Autosomal Recessive and X-Linked Classification Criteria (2023). Collection method: clinical testing. Allele origin: unknown.
Comment: NM_003640.3(ELP1):c.1130_1132delCTG(T377_D378delinsN) is an in-frame deletion classified as a variant of uncertain significance in the context of familial dysautonomia. T377_D378delinsN has not been observed in cases with relevant disease. Relevant functional assessments of this variant are not available in the literature. T377_D378delinsN has not been observed in referenced population frequency databases. In summary, there is insufficient evidence to classify NM_003640.3(ELP1):c.1130_1132delCTG(T377_D378delinsN) as pathogenic or benign. Please note: this variant was assessed in the context of healthy population screening.

NM_003640.5(ELP1):c.1130_1132del (p.Thr377_Asp378delinsAsn)

Gene: ELP1 (elongator acetyltransferase complex subunit 1; minus strand). Cytogenetic location: 9q31.3.
Variant type: Deletion.
Coding change: c.1130_1132del on transcript NM_003640.5 (MANE Select); coding-DNA positions 1130 to 1132, 3 bases deleted (CTG; older notation c.1130_1132delCTG).
Protein change: p.Thr377_Asp378delinsAsn.
Molecular consequence: inframe indel.
Genome position (GRCh38, 1-based): chr9:108,912,321-108,912,323, CAG deleted on the plus strand (CTG on the coding strand, the reverse complement: ELP1 is on the minus strand). VCF-style (leftmost placement, unchanged base first): chr9-108912320-TCAG-T. GRCh37 (hg19) VCF-style: chr9-111674600-TCAG-T.
Other names: c.788_790del, p.Thr263_Asp264delinsAsn (NM_001318360.2); c.83_85del, p.Thr28_Asp29delinsAsn (NM_001330749.2).
Identifiers: ClinVar variation 5004504 (VCV005004504.1).